The following is an entry in ClinVar:

ClinVar aggregate classification (germline): Likely benign. Review status: criteria provided, single submitter (1 of 4 stars). 2 submissions from 2 submitters: Likely benign (1). 1 of the submissions does not count toward it. Last evaluated 2024-02-14.

Conditions:
KMT2D-related disorder. Also called: KMT2D-Related Disorders.

Allele frequency attached by ClinVar (database versions not stated): gnomAD exomes below 0.00001; gnomAD 0.00001.
gnomAD v4.1: 7 of 1,594,386 alleles (0.00044%); highest among the groups gnomAD compares: Non-Finnish European, 0.0006%; no homozygotes.

Submissions (2):

Blueprint Genetics
Classification: Likely benign. Last evaluated: 2024-02-14. Review status: criteria provided, single submitter. Criteria: ACMG Guidelines, 2015. Collection method: clinical testing. Allele origin: germline.

PreventionGenetics, part of Exact Sciences
Classification: Likely benign for KMT2D-related condition. Last evaluated: 2023-03-10. Review status: no assertion criteria provided. Collection method: clinical testing. Allele origin: germline. Not counted in ClinVar's aggregate classification.
Comment: This variant is classified as likely benign based on ACMG/AMP sequence variant interpretation guidelines (Richards et al. 2015 PMID: 25741868, with internal and published modifications).

NM_003482.4(KMT2D):c.1392A>G (p.Ala464=)

Gene: KMT2D (lysine methyltransferase 2D; minus strand). Cytogenetic location: 12q13.12.
Variant type: single nucleotide variant.
Coding change: c.1392A>G on transcript NM_003482.4 (MANE Select); coding-DNA position 1392, A replaced by G.
Protein change: p.Ala464=; no amino-acid change (alanine 464 retained).
Molecular consequence: synonymous variant.
Genome position (GRCh38, 1-based): chr12:49,052,291, T>C on the plus strand (A>G on the coding strand, the complement: KMT2D is on the minus strand). VCF-style: chr12-49052291-T-C. GRCh37 (hg19) VCF-style: chr12-49446074-T-C.
Identifiers: ClinVar variation 3061422 (VCV003061422.3), dbSNP rs1938112113, ClinGen allele CA479715028.